The following is an entry in ClinVar:

ClinVar aggregate classification (germline): Uncertain significance (0 of 4 stars; one submission).

Conditions:
DGKE-related disorder. Also called: DGKE-related condition.

Submission:

PreventionGenetics, part of Exact Sciences
Classification: Uncertain significance for DGKE-related condition. Last evaluated: 2023-11-08. Review status: no assertion criteria provided. Collection method: clinical testing. Allele origin: germline.
Comment: The DGKE c.640G>C variant is predicted to result in the amino acid substitution p.Gly214Arg. To our knowledge, this variant has not been reported in the literature or in a large population database, indicating this variant is rare. At this time, the clinical significance of this variant is uncertain due to the absence of conclusive functional and genetic evidence.

NM_003647.3(DGKE):c.640G>C (p.Gly214Arg)

Gene: DGKE (diacylglycerol kinase epsilon; plus strand). Cytogenetic location: 17q22.
Variant type: single nucleotide variant.
Coding change: c.640G>C on transcript NM_003647.3 (MANE Select); coding-DNA position 640, G replaced by C.
Protein change: p.Gly214Arg; replaces glycine 214 with arginine.
Molecular consequence: missense variant.
Genome position (GRCh38, 1-based): chr17:56,845,705, G>C. VCF-style: chr17-56845705-G-C. GRCh37 (hg19) VCF-style: chr17-54923066-G-C.
Other names: short protein forms G214R.
Identifiers: ClinVar variation 3055880 (VCV003055880.2), dbSNP rs1907241229, ClinGen allele CA399926672.